The following is an entry in ClinVar:

ClinVar aggregate classification (germline): Pathogenic (1 of 4 stars; one submission).

Conditions:
Charcot-Marie-Tooth disease type 4. Also called: Charcot-Marie-Tooth disease, type IV; Charcot-Marie-Tooth, Type 4. Identifiers: Orphanet 64749, MedGen C4082197, MONDO:0018995.

Submission:

Labcorp Genetics (formerly Invitae), Labcorp
Classification: Pathogenic for Charcot-Marie-Tooth disease type 4. Last evaluated: 2023-02-22. Review status: criteria provided, single submitter. Criteria: Invitae Variant Classification Sherloc (09022015). Collection method: clinical testing. Allele origin: germline.
Comment: For these reasons, this variant has been classified as Pathogenic. This variant has not been reported in the literature in individuals affected with MTMR2-related conditions. This sequence change creates a premature translational stop signal (p.Phe317Leufs*4) in the MTMR2 gene. It is expected to result in an absent or disrupted protein product. Loss-of-function variants in MTMR2 are known to be pathogenic (PMID: 10802647). This variant is not present in population databases (gnomAD no frequency).

Literature cited by the submitters: PubMed 10802647.

NM_016156.6(MTMR2):c.947dup (p.Phe317fs)

Gene: MTMR2 (myotubularin related protein 2; minus strand). Cytogenetic location: 11q21.
Variant type: Duplication.
Coding change: c.947dup on transcript NM_016156.6 (MANE Select); coding-DNA position 947, one base duplicated (T; older notation c.947dupT).
Protein change: p.Phe317fs; shifts the reading frame from phenylalanine 317.
Molecular consequence: frameshift variant.
Genome position (GRCh38, 1-based): chr11:95,849,720, A duplicated on the plus strand (T on the coding strand, the reverse complement: MTMR2 is on the minus strand). VCF-style (leftmost placement, unchanged base first): chr11-95849719-G-GA. GRCh37 (hg19) VCF-style: chr11-95582883-G-GA.
Other names: c.731dup, p.Phe245fs (NM_001243571.2, NM_201278.3, NM_201281.3); short protein forms F245fs, F317fs.
Identifiers: ClinVar variation 2839875 (VCV002839875.3), dbSNP rs2496499778, ClinGen allele CA2739270769.